The following is an entry in ClinVar:

ClinVar aggregate classification (germline): Uncertain significance. Review status: criteria provided, multiple submitters, no conflicts (2 of 4 stars). 4 submissions from 4 submitters: Uncertain significance (4). Last evaluated 2024-11-05.

Conditions:
Inborn genetic diseases. Identifiers: MedGen C0950123, MeSH D030342.
Deficiency of aromatic-L-amino-acid decarboxylase. Also called: AADC DEFICIENCY; DDC DEFICIENCY; DOPA DECARBOXYLASE DEFICIENCY; Aromatic amino acid decarboxylase deficiency; Aromatic L-Amino Acid Decarboxylase Deficiency. Identifiers: Orphanet 35708, MedGen C1291564, MONDO:0012084, OMIM 608643.

Allele frequency attached by ClinVar (database versions not stated): TOPMed 0.00002; gnomAD 0.00003 and 0.00004; gnomAD exomes 0.00003; ExAC 0.00004; ESP Exome Variant Server 0.00008; 1000 Genomes Project 30x 0.00016; 1000 Genomes Project 0.00020.

Submissions (4):

Labcorp Genetics (formerly Invitae), Labcorp
Classification: Uncertain significance for Deficiency of aromatic-L-amino-acid decarboxylase. Last evaluated: 2024-11-05. Review status: criteria provided, single submitter. Criteria: Invitae Variant Classification Sherloc (09022015). Collection method: clinical testing. Allele origin: germline.
Comment: This sequence change replaces arginine, which is basic and polar, with histidine, which is basic and polar, at codon 397 of the DDC protein (p.Arg397His). This variant is present in population databases (rs144293557, gnomAD 0.02%). This variant has not been reported in the literature in individuals affected with DDC-related conditions. ClinVar contains an entry for this variant (Variation ID: 360430). Invitae Evidence Modeling of protein sequence and biophysical properties (such as structural, functional, and spatial information, amino acid conservation, physicochemical variation, residue mobility, and thermodynamic stability) indicates that this missense variant is not expected to disrupt DDC protein function with a negative predictive value of 80%. In summary, the available evidence is currently insufficient to determine the role of this variant in disease. Therefore, it has been classified as a Variant of Uncertain Significance.

Blueprint Genetics
Classification: Uncertain significance. Last evaluated: 2024-09-10. Review status: criteria provided, single submitter. Criteria: ACMG Guidelines, 2015. Collection method: clinical testing. Allele origin: germline.

Ambry Genetics
Classification: Uncertain significance for Inborn genetic diseases. Last evaluated: 2021-09-17. Review status: criteria provided, single submitter. Criteria: Ambry Variant Classification Scheme 2023. Collection method: clinical testing. Allele origin: germline.

Illumina Laboratory Services, Illumina
Classification: Uncertain significance for Deficiency of aromatic-L-amino-acid decarboxylase. Last evaluated: 2018-01-13. Review status: criteria provided, single submitter. Criteria: ICSL Variant Classification Criteria 13 December 2019. Collection method: clinical testing. Allele origin: germline.

NM_001082971.2(DDC):c.1190G>A (p.Arg397His)

Gene: DDC (dopa decarboxylase; minus strand). Cytogenetic location: 7p12.2.
Variant type: single nucleotide variant.
Coding change: c.1190G>A on transcript NM_001082971.2 (MANE Select); coding-DNA position 1190, G replaced by A.
Protein change: p.Arg397His; replaces arginine 397 with histidine.
Molecular consequence: missense variant.
Genome position (GRCh38, 1-based): chr7:50,467,266, C>T on the plus strand (G>A on the coding strand, the complement: DDC is on the minus strand). VCF-style: chr7-50467266-C-T. GRCh37 (hg19) VCF-style: chr7-50534964-C-T.
Other names: c.1190G>A, p.Arg397His (NM_000790.4); c.1076G>A, p.Arg359His (NM_001242886.2); c.1046G>A, p.Arg349His (NM_001242887.2); c.956G>A, p.Arg319His (NM_001242888.2); c.911G>A, p.Arg304His (NM_001242889.2); short protein forms R397H, R349H, R304H, R319H, R359H.
Identifiers: ClinVar variation 360430 (VCV000360430.11), dbSNP rs144293557, ClinGen allele CA4262029.
Genomic context (GRCh38, chr7:50,467,266, plus strand): 5'-AGACAAACCTTTAGCCGAAAGCAGACAAGCCCCAGAATGACTTCCACACAGATTTCAAAG[C>T]GGGGATCCTGGCGCACCAGTGACTCAAACTCATGGGACAGCTGGACATGCTTCAAAGAGG-3'
Protein context (NP_001076440.2, residues 387-407): EFESLVRQDP[Arg397His]FEICVEVILG